The following is an entry in ClinVar:

ClinVar aggregate classification (germline): Benign. Review status: criteria provided, multiple submitters, no conflicts (2 of 4 stars). 3 submissions from 3 submitters: Benign (3). Last evaluated 2018-08-26.

Conditions:
Immunodeficiency 18 (IMD18). Also called: CD3-EPSILON DEFICIENCY; CD3epsilon deficiency. Identifiers: MedGen C3810127, MONDO:0014278, OMIM 615615.

Allele frequency attached by ClinVar (database versions not stated): 1000 Genomes Project 0.05312; 1000 Genomes Project 30x 0.05418; gnomAD 0.05518 and 0.05808; ESP Exome Variant Server 0.05694; TOPMed 0.05904.

Submissions (3):

GeneDx
Classification: Benign. Last evaluated: 2018-08-26. Review status: criteria provided, single submitter. Criteria: GeneDx Variant Classification Process June 2021. Collection method: clinical testing. Allele origin: germline. Affected: yes.

Illumina Laboratory Services, Illumina
Classification: Benign for Immunodeficiency 18. Last evaluated: 2018-01-12. Review status: criteria provided, single submitter. Criteria: ICSL Variant Classification Criteria 13 December 2019. Collection method: clinical testing. Allele origin: germline.
Comment: This variant was observed in the ICSL laboratory as part of a predisposition screen in an ostensibly healthy population. It had not been previously curated by ICSL or reported in the Human Gene Mutation Database (HGMD: prior to June 1st, 2018), and was therefore a candidate for classification through an automated scoring system. Utilizing variant allele frequency, disease prevalence and penetrance estimates, and inheritance mode, an automated score was calculated to assess if this variant is too frequent to cause the disease. Based on the score and internal cut-off values, a variant classified as benign is not then subjected to further curation. The score for this variant resulted in a classification of benign for this disease.

Breakthrough Genomics
Classification: Benign. Review status: criteria provided, single submitter. Criteria: ACMG Guidelines, 2015. Collection method: not provided. Allele origin: germline. Inheritance: Autosomal recessive inheritance. Affected: yes.

NM_000733.4(CD3E):c.*55C>A

Gene: CD3E (CD3 epsilon subunit of T-cell receptor complex; plus strand). Cytogenetic location: 11q23.3.
Variant type: single nucleotide variant.
Coding change: c.*55C>A on transcript NM_000733.4 (MANE Select); 55 bases downstream of the stop codon, C replaced by A.
Molecular consequence: 3 prime UTR variant.
Genome position (GRCh38, 1-based): chr11:118,315,597, C>A. VCF-style: chr11-118315597-C-A. GRCh37 (hg19) VCF-style: chr11-118186312-C-A.
Identifiers: ClinVar variation 302666 (VCV000302666.7), dbSNP rs2231450, ClinGen allele CA10633577.